The following is an entry in ClinVar:

ClinVar aggregate classification (germline): Likely benign. Review status: criteria provided, multiple submitters, no conflicts (2 of 4 stars). 2 submissions from 2 submitters: Likely benign (2). Last evaluated 2024-08-31.

Conditions:
Charcot-Marie-Tooth disease type 2. Also called: Charcot-Marie-Tooth type 2. Identifiers: Orphanet 64746, MedGen C0270914, MONDO:0018993.

Allele frequency attached by ClinVar (database versions not stated): TOPMed 0.00001; gnomAD 0.00003.
gnomAD v4.1: 18 of 1,604,646 alleles (0.0011%); highest among the groups gnomAD compares: Non-Finnish European, 0.0013%; no homozygotes.

Submissions (2):

Labcorp Genetics (formerly Invitae), Labcorp
Classification: Likely benign for Charcot-Marie-Tooth disease type 2. Last evaluated: 2024-08-31. Review status: criteria provided, single submitter. Criteria: Invitae Variant Classification Sherloc (09022015). Collection method: clinical testing. Allele origin: germline.

CeGaT Center for Human Genetics Tuebingen
Classification: Likely benign. Last evaluated: 2024-07-01. Review status: criteria provided, single submitter. Criteria: CeGaT Center For Human Genetics Tuebingen Variant Classification Criteria Version 2. Collection method: clinical testing. Allele origin: germline. Affected: yes. Observed: 1 variant allele.
Comment: MED25: BP4, BP7

NM_030973.4(MED25):c.750C>T (p.Ala250=)

Gene: MED25 (mediator complex subunit 25; plus strand). Cytogenetic location: 19q13.33.
Variant type: single nucleotide variant.
Coding change: c.750C>T on transcript NM_030973.4 (MANE Select); coding-DNA position 750, C replaced by T.
Protein change: p.Ala250=; no amino-acid change (alanine 250 retained).
Molecular consequence: synonymous variant.
Genome position (GRCh38, 1-based): chr19:49,830,149, C>T. VCF-style: chr19-49830149-C-T. GRCh37 (hg19) VCF-style: chr19-50333406-C-T.
Other names: c.750C>T, p.Ala250= (NM_001378355.1).
Identifiers: ClinVar variation 2902054 (VCV002902054.20), dbSNP rs1397405011, ClinGen allele CA406914006.